The following is an entry in ClinVar:

ClinVar aggregate classification (germline): Uncertain significance. Review status: reviewed by expert panel (3 of 4 stars). 3 submissions from 3 submitters: Uncertain significance (1). 2 of the submissions do not count toward it. Last evaluated 2026-01-08.

Conditions:
Autosomal recessive limb-girdle muscular dystrophy. Identifiers: Orphanet 102015, MedGen C2931907, MONDO:0015152.

Submissions (3):

ClinGen Limb Girdle Muscular Dystrophy Variant Curation Expert Panel, ClinGen
Classification: Uncertain significance for Autosomal recessive limb-girdle muscular dystrophy. Last evaluated: 2026-01-08. Review status: reviewed by expert panel. Criteria: ClinGen LGMD VCEP ACMG Specifications DYSF V2.0.0. Collection method: curation. Allele origin: germline. Inheritance: Autosomal recessive inheritance.
Comment: The NM_003494.4: c.6216del p.(Met2073Ter) variant in DYSF, which is also known as NM_001130987.2: c.6333del (p.Met2112Ter), is a nonsense variant predicted to cause a premature stop codon in biologically relevant exon 55/55. The resulting transcript is predicted to escape nonsense mediated decay and removes <10% of the protein (PVS1_Moderate). This variant has been identified in a heterozygous state in two individuals with suspected LGMD, one with a variant of uncertain significance in unknown phase (NM_003494.4: c.5342G>T p.(Gly1781Val), ClinVar SCV003833229.2 internal data communication, Jain Foundation Dysferlin Registry internal data communication) and one with a benign variant in unknown phase, NM_003494.4: c.4509+1586dupG (PMID: 36983702) (PM3 not met; PP4). This variant is absent from gnomAD v4.1.0 (PM2_Supporting). In summary, due to insufficient evidence, this variant is classified as a variant of uncertain significance for autosomal recessive limb-girdle muscular dystrophy based on the ACMG/AMP criteria applied, as specified by the ClinGen LGMD VCEP (specifications version 2.0.0; 01/08/2026): PVS1_Moderate, PM2_Supporting, PP4.

Revvity Omics, Revvity
Classification: Likely pathogenic. Last evaluated: 2022-05-06. Review status: criteria provided, single submitter. Criteria: ACMG Guidelines, 2015. Collection method: clinical testing. Allele origin: germline. Not counted in ClinVar's aggregate classification.

Eurofins Ntd Llc (ga)
Classification: Pathogenic. Last evaluated: 2016-05-31. Review status: criteria provided, single submitter. Criteria: EGL Classification Definitions 2015. Collection method: clinical testing. Allele origin: germline. Observed: 1 variant allele, 1 heterozygote. Not counted in ClinVar's aggregate classification.

NM_001130987.2(DYSF):c.6333del (p.Ala2111_Met2112insTer)

Gene: DYSF (dysferlin; plus strand). Cytogenetic location: 2p13.2.
Variant type: Deletion.
Coding change: c.6333del on transcript NM_001130987.2 (MANE Select); coding-DNA position 6333, one base deleted (C; older notation c.6333delC).
Protein change: p.Ala2111_Met2112insTer.
Molecular consequence: frameshift variant.
Genome position (GRCh38, 1-based): chr2:71,686,465, C deleted; the last of 2 consecutive C bases (chr2:71,686,464-71,686,465); deleting either gives the same sequence. VCF-style (leftmost placement, unchanged base first): chr2-71686463-GC-G. GRCh37 (hg19) VCF-style: chr2-71913593-GC-G.
Other names: NM_001130987.2(DYSF):c.6333del; p.Ala2111_Met2112insTer; c.6219del, p.Ala2073_Met2074insTer (NM_001130455.2); c.6174del, p.Ala2058_Met2059insTer (NM_001130976.2); c.6237del, p.Ala2079_Met2080insTer (NM_001130977.2); c.6279del, p.Ala2093_Met2094insTer (NM_001130978.2); c.6309del, p.Ala2103_Met2104insTer (NM_001130979.2); c.6267del, p.Ala2089_Met2090insTer (NM_001130980.2); and 7 more.
Identifiers: ClinVar variation 288397 (VCV000288397.9), dbSNP rs886043884, ClinGen allele CA10606074.